The following is an entry in ClinVar:

NM_001281740.3(FHOD3):c.2890G>T (p.Val964Phe)

Gene: FHOD3 (formin homology 2 domain containing 3; plus strand). Cytogenetic location: 18q12.2.
Variant type: single nucleotide variant.
Coding change: c.2890G>T on transcript NM_001281740.3 (MANE Select); coding-DNA position 2890, G replaced by T.
Protein change: p.Val964Phe; replaces valine 964 with phenylalanine.
Molecular consequence: missense variant.
Genome position (GRCh38, 1-based): chr18:36,718,188, G>T. VCF-style: chr18-36718188-G-T. GRCh37 (hg19) VCF-style: chr18-34298151-G-T.
Other names: p.Val789Phe; c.2314G>T, p.Val772Phe (NM_001281739.3); c.2365G>T, p.Val789Phe (NM_025135.5); c.2365G>T (NM_025135.2); c.2890G>T (NM_001281740.2); short protein forms V772F, V789F, V964F.
Identifiers: ClinVar variation 3024547 (VCV003024547.3), dbSNP rs754948359, ClinGen allele CA8941973.

ClinVar aggregate classification (germline): Uncertain significance. Review status: criteria provided, multiple submitters, no conflicts (2 of 4 stars). 3 submissions from 3 submitters: Uncertain significance (3). Last evaluated 2026-03-12.

Conditions:
FHOD3-related disorder. Also called: FHOD3-related condition.
Cardiomyopathy, familial hypertrophic, 28. Identifiers: MedGen C5543616, MONDO:0030317, OMIM 619402.
Inborn genetic diseases. Identifiers: MedGen C0950123, MeSH D030342.

Allele frequency attached by ClinVar (database versions not stated): gnomAD 0.00003; TOPMed 0.00003.
gnomAD v4.1: 38 of 1,613,572 alleles (0.0024%); highest among the groups gnomAD compares: Non-Finnish European, 0.0031%; no homozygotes.

Submissions (3):

PreventionGenetics, part of Exact Sciences
Classification: Uncertain significance for FHOD3-related condition. Last evaluated: 2026-03-12. Review status: criteria provided, single submitter. Criteria: ACMG Guidelines, 2015. Collection method: clinical testing. Allele origin: germline.
Comment: The FHOD3 c.2890G>T variant is predicted to result in the amino acid substitution p.Val964Phe. To our knowledge, this variant has not been reported in the literature. This variant is reported in 0.0044% of alleles in individuals of European (Non-Finnish) descent in gnomAD. At this time, the clinical significance of this variant is uncertain due to the absence of conclusive functional and genetic evidence.

Ambry Genetics
Classification: Uncertain significance for Inborn genetic diseases. Last evaluated: 2025-05-07. Review status: criteria provided, single submitter. Criteria: Ambry Variant Classification Scheme 2023. Collection method: clinical testing. Allele origin: germline.

Clinical Genomics Laboratory, Stanford Medicine
Classification: Uncertain significance for Cardiomyopathy, familial hypertrophic, 28. Last evaluated: 2021-04-16. Review status: criteria provided, single submitter. Criteria: ACMG Guidelines, 2015. Collection method: clinical testing. Allele origin: germline. Affected: yes. Observed: 1 heterozygote.
Comment: The p.Val789Phe variant in the FHOD3 gene has not been previously reported in association with disease. This variant has been identified in 5/113,148 European chromosomes by the Genome Aggregation Database. Computational tools predict that the p.Val789Phe variant does not impact protein function; however, the accuracy of in silico algorithms is limited. These data were assessed using the ACMG/AMP variant interpretation guidelines. In summary, the significance of the p.Val789Phe variant is uncertain. Additional information is needed to resolve the significance of this variant. [ACMG evidence codes used: PM2; BP4]